The following is an entry in ClinVar:

ClinVar aggregate classification (germline): Benign (1 of 4 stars; one submission).

Allele frequency attached by ClinVar (database versions not stated): 1000 Genomes Project 0.89517; 1000 Genomes Project 30x 0.89631; TOPMed 0.90751; gnomAD 0.91168 and 0.91375.
gnomAD v4.1: 138,637 of 152,004 alleles (91%); highest among the groups gnomAD compares: Admixed American, 93%; 63,274 homozygotes.

Submission:

GeneDx
Classification: Benign. Last evaluated: 2018-06-14. Review status: criteria provided, single submitter. Criteria: GeneDx Variant Classification (06012015). Collection method: clinical testing. Allele origin: germline. Affected: yes.
Comment: This variant is considered likely benign or benign based on one or more of the following criteria: it is a conservative change, it occurs at a poorly conserved position in the protein, it is predicted to be benign by multiple in silico algorithms, and/or has population frequency not consistent with disease.

NM_001377.3(DYNC2H1):c.5335-246G>A

Gene: DYNC2H1 (dynein cytoplasmic 2 heavy chain 1; plus strand). Cytogenetic location: 11q22.3.
Variant type: single nucleotide variant.
Coding change: c.5335-246G>A on transcript NM_001377.3 (MANE Select); 246 bases into the intron before coding-DNA position 5335, G replaced by A.
Molecular consequence: intron variant.
Genome position (GRCh38, 1-based): chr11:103,172,836, G>A. VCF-style: chr11-103172836-G-A. GRCh37 (hg19) VCF-style: chr11-103043565-G-A.
Other names: c.5335-246G>A (NM_001080463.2).
Identifiers: ClinVar variation 667715 (VCV000667715.1), dbSNP rs631925, ClinGen allele CA227399213.